The following is an entry in ClinVar:

ClinVar aggregate classification (germline): Pathogenic (1 of 4 stars; one submission).

Conditions:
Developmental and epileptic encephalopathy 94 (DEE94). Also called: CHD2-Related Neurodevelopmental Disorders; Epileptic encephalopathy, childhood-onset. Identifiers: Orphanet 1942, Orphanet 2382, MedGen C3809278, MONDO:0014150, OMIM 615369.

Submission:

Labcorp Genetics (formerly Invitae), Labcorp
Classification: Pathogenic for Developmental and epileptic encephalopathy 94. Last evaluated: 2023-12-16. Review status: criteria provided, single submitter. Criteria: Invitae Variant Classification Sherloc (09022015). Collection method: clinical testing. Allele origin: germline.
Comment: This sequence change creates a premature translational stop signal (p.Asn4Argfs*89) in the CHD2 gene. It is expected to result in an absent or disrupted protein product. Loss-of-function variants in CHD2 are known to be pathogenic (PMID: 23708187, 24207121). This variant is not present in population databases (gnomAD no frequency). This premature translational stop signal has been observed in individual(s) with CDH2-related conditions (PMID: 33004838). For these reasons, this variant has been classified as Pathogenic.

Literature cited by the submitters: PubMed 23708187; PubMed 24207121; PubMed 33004838.

NM_001271.4(CHD2):c.11_14del (p.Asn4fs)

Gene: CHD2 (chromodomain helicase DNA binding protein 2; plus strand). Cytogenetic location: 15q26.1.
Variant type: Deletion.
Coding change: c.11_14del on transcript NM_001271.4 (MANE Select); coding-DNA positions 11 to 14, 4 bases deleted (ATAA; older notation c.11_14delATAA).
Protein change: p.Asn4fs; shifts the reading frame from asparagine 4.
Molecular consequence: frameshift variant.
Genome position (GRCh38, 1-based): chr15:92,901,248-92,901,251, ATAA deleted; deleting any 4 consecutive bases within chr15:92,901,246-92,901,251 gives the same sequence; the c. name uses the placement nearest the transcript's 3' end. VCF-style (leftmost placement, unchanged base first): chr15-92901245-GAAAT-G. GRCh37 (hg19) VCF-style: chr15-93444475-GAAAT-G.
Other names: c.11_14del, p.Asn4fs (NM_001042572.3); short protein forms N4fs.
Identifiers: ClinVar variation 2780304 (VCV002780304.3), dbSNP rs2505310503, ClinGen allele CA2695221184.
Genomic context (GRCh38, chr15:92,901,245, plus strand): 5'-ACTTCAAAGCAAACACAGATTCCCCCTCCCCCTTAATATTTAAGAATTAAAAGATGATGA[GAAAT>G]AAGGACAAAAGCCAAGAGGAGGACAGTTCGCTACACAGCAATGCATCGAGGTATGAGCTA-3'